The following is an entry in ClinVar:

NM_000266.4(NDP):c.216G>A (p.Ala72=)

Genes: NDP (norrin cystine knot growth factor NDP; minus strand), NDP-AS1 (NDP antisense RNA 1; plus strand). Cytogenetic location: Xp11.3.
Variant type: single nucleotide variant.
Coding change: c.216G>A on transcript NM_000266.4 (MANE Select); coding-DNA position 216, G replaced by A.
Protein change: p.Ala72=; no amino-acid change (alanine 72 retained).
Molecular consequence: synonymous variant. On other transcripts: non-coding transcript variant (1).
Genome position (GRCh38, 1-based): chrX:43,949,985, C>T on the plus strand (G>A on the coding strand, the complement: NDP is on the minus strand). VCF-style: chrX-43949985-C-T. GRCh37 (hg19) VCF-style: chrX-43809231-C-T.
Identifiers: ClinVar variation 2111583 (VCV002111583.28), dbSNP rs772656121, ClinGen allele CA10391415.

ClinVar aggregate classification (germline): Likely benign. Review status: criteria provided, multiple submitters, no conflicts (2 of 4 stars). 2 submissions from 2 submitters: Likely benign (2). Last evaluated 2022-08-01.

Allele frequency attached by ClinVar (database versions not stated): TOPMed below 0.00001; gnomAD exomes 0.00001; ExAC 0.00002; gnomAD 0.00002.
gnomAD v4.1: 8 of 1,205,321 alleles (0.00066%); highest among the groups gnomAD compares: Admixed American, 0.0044%; no homozygotes.

Submissions (2):

CeGaT Center for Human Genetics Tuebingen
Classification: Likely benign. Last evaluated: 2022-08-01. Review status: criteria provided, single submitter. Criteria: CeGaT Center For Human Genetics Tuebingen Variant Classification Criteria Version 2. Collection method: clinical testing. Allele origin: germline. Affected: yes. Observed: 1 variant allele.
Comment: NDP: BP4, BP7

Labcorp Genetics (formerly Invitae), Labcorp
Classification: Likely benign. Last evaluated: 2022-03-29. Review status: criteria provided, single submitter. Criteria: Invitae Variant Classification Sherloc (09022015). Collection method: clinical testing. Allele origin: germline.